The following is an entry in ClinVar:

ClinVar aggregate classification (germline): Pathogenic (1 of 4 stars; one submission).

Conditions:
Autosomal recessive limb-girdle muscular dystrophy type 2E (LGMDR4). Also called: MUSCULAR DYSTROPHY, LIMB-GIRDLE, AUTOSOMAL RECESSIVE 4. Identifiers: Orphanet 119, MedGen C1858593, MONDO:0011423, OMIM 604286. Disease mechanism: Affects gamma-sarcoglycan and also disrupts the integrity of the entire sarcoglycan complex..

Submission:

Labcorp Genetics (formerly Invitae), Labcorp
Classification: Pathogenic for Autosomal recessive limb-girdle muscular dystrophy type 2E. Last evaluated: 2021-03-24. Review status: criteria provided, single submitter. Criteria: Invitae Variant Classification Sherloc (09022015). Collection method: clinical testing. Allele origin: germline.
Comment: For these reasons, this variant has been classified as Pathogenic. This sequence change creates a premature translational stop signal (p.Ser125Lysfs*9) in the SGCB gene. It is expected to result in an absent or disrupted protein product. Loss-of-function variants in SGCB are known to be pathogenic (PMID: 15938573, 18285821). This variant is not present in population databases (ExAC no frequency). This variant has not been reported in the literature in individuals with SGCB-related conditions.

Literature cited by the submitters: PubMed 15938573; PubMed 18285821.

NM_000232.5(SGCB):c.373dup (p.Ser125fs)

Gene: SGCB (sarcoglycan beta; minus strand). Cytogenetic location: 4q12.
Variant type: Duplication.
Coding change: c.373dup on transcript NM_000232.5 (MANE Select); coding-DNA position 373, one base duplicated (A; older notation c.373dupA).
Protein change: p.Ser125fs; shifts the reading frame from serine 125.
Molecular consequence: frameshift variant.
Genome position (GRCh38, 1-based): chr4:52,029,734, T duplicated on the plus strand (A on the coding strand, the reverse complement: SGCB is on the minus strand); the first of 4 consecutive T bases (chr4:52,029,734-52,029,737); duplicating any one gives the same sequence. VCF-style (leftmost placement, unchanged base first): chr4-52029733-C-CT. GRCh37 (hg19) VCF-style: chr4-52895899-C-CT.
Other names: short protein forms S125fs.
Identifiers: ClinVar variation 1454994 (VCV001454994.6), dbSNP rs2109371877, ClinGen allele CA2573137897.